The following is an entry in ClinVar:

NM_000540.3(RYR1):c.1351T>C (p.Phe451Leu)

Gene: RYR1 (ryanodine receptor 1; plus strand). Cytogenetic location: 19q13.2.
Variant type: single nucleotide variant.
Coding change: c.1351T>C on transcript NM_000540.3 (MANE Select); coding-DNA position 1351, T replaced by C.
Protein change: p.Phe451Leu; replaces phenylalanine 451 with leucine.
Molecular consequence: missense variant.
Genome position (GRCh38, 1-based): chr19:38,452,925, T>C. VCF-style: chr19-38452925-T-C. GRCh37 (hg19) VCF-style: chr19-38943565-T-C.
Other names: c.1351T>C, p.Phe451Leu (NM_001042723.2); short protein forms F451L.
Identifiers: ClinVar variation 4756985 (VCV004756985.1).

ClinVar aggregate classification (germline): Uncertain significance (1 of 4 stars; one submission).

Conditions:
Malignant hyperthermia, susceptibility to, 1 (MHS1). Also called: RYR1-Related Malignant Hyperthermia Susceptibility; Malignant hyperthermia suceptibility 1; Anesthesia related hyperthermia; Malignant hyperpyrexia; Fulminating hyperpyrexia; Pharmacogenic myopathy. Identifiers: Orphanet 423, MedGen C2930980, MONDO:0007783, OMIM 145600.

gnomAD v4.1: 2 of 1,613,812 alleles (0.00012%); highest among the groups gnomAD compares: East Asian, 0.0022%; no homozygotes.

Submission:

Color Diagnostics, LLC DBA Color Health
Classification: Uncertain significance for Malignant hyperthermia, susceptibility to, 1. Last evaluated: 2025-06-17. Review status: criteria provided, single submitter. Criteria: ACMG Guidelines, 2015. Collection method: clinical testing. Allele origin: germline.
Comment: This missense variant replaces phenylalanine with leucine at codon 451 of the RYR1 protein. Computational prediction suggests that this variant may have deleterious impact on protein structure and function. To our knowledge, functional studies have not been reported for this variant. This variant has not been reported in individuals affected with RYR1-related disorders in the literature. This variant has been identified in 1/31402 chromosomes in the general population by the Genome Aggregation Database (gnomAD). The available evidence is insufficient to determine the role of this variant in disease conclusively. Therefore, this variant is classified as a Variant of Uncertain Significance.